The following is an entry in ClinVar:

ClinVar aggregate classification (germline): Benign. Review status: criteria provided, multiple submitters, no conflicts (2 of 4 stars). 3 submissions from 3 submitters: Benign (3). Last evaluated 2018-07-27.

Conditions:
Cenani-Lenz syndactyly syndrome. Also called: CENANI SYNDACTYLISM; SYNDACTYLY, TYPE VII. Identifiers: Orphanet 3258, MedGen C1859309, MONDO:0008931, OMIM 212780.

Allele frequency attached by ClinVar (database versions not stated): gnomAD 0.04762; 1000 Genomes Project 30x 0.05372; gnomAD exomes 0.00315; TOPMed 0.04554; 1000 Genomes Project 0.05052.

Submissions (3):

GeneDx
Classification: Benign. Last evaluated: 2018-07-27. Review status: criteria provided, single submitter. Criteria: GeneDx Variant Classification Process June 2021. Collection method: clinical testing. Allele origin: germline. Affected: yes.

Illumina Laboratory Services, Illumina
Classification: Benign for Cenani-Lenz syndactyly syndrome. Last evaluated: 2018-01-13. Review status: criteria provided, single submitter. Criteria: ICSL Variant Classification Criteria 13 December 2019. Collection method: clinical testing. Allele origin: germline.
Comment: This variant was observed in the ICSL laboratory as part of a predisposition screen in an ostensibly healthy population. It had not been previously curated by ICSL or reported in the Human Gene Mutation Database (HGMD: prior to June 1st, 2018), and was therefore a candidate for classification through an automated scoring system. Utilizing variant allele frequency, disease prevalence and penetrance estimates, and inheritance mode, an automated score was calculated to assess if this variant is too frequent to cause the disease. Based on the score and internal cut-off values, a variant classified as benign is not then subjected to further curation. The score for this variant resulted in a classification of benign for this disease.

Breakthrough Genomics
Classification: Benign. Review status: criteria provided, single submitter. Criteria: ACMG Guidelines, 2015. Collection method: not provided. Allele origin: germline. Inheritance: Autosomal recessive inheritance. Affected: yes.

NM_002334.3(LRP4):c.-237G>C

Genes: LRP4 (LDL receptor related protein 4; minus strand), LOC130005664 (ATAC-STARR-seq lymphoblastoid silent region 3319; plus strand). Cytogenetic location: 11p11.2.
Variant type: single nucleotide variant.
Coding change: c.-237G>C on transcript NM_002334.3; 237 bases upstream of the start codon, G replaced by C.
Genome position (GRCh38, 1-based): chr11:46,918,616, C>G on the plus strand (G>C on the coding strand, the complement: LRP4 is on the minus strand). VCF-style: chr11-46918616-C-G. GRCh37 (hg19) VCF-style: chr11-46940167-C-G.
Identifiers: ClinVar variation 304911 (VCV000304911.9), dbSNP rs565737367, ClinGen allele CA10639277.